The following is an entry in ClinVar:

ClinVar aggregate classification (germline): Uncertain significance (1 of 4 stars; one submission).

Submission:

GeneDx
Classification: Uncertain significance. Last evaluated: 2024-07-18. Review status: criteria provided, single submitter. Criteria: GeneDx Variant Classification Process June 2021. Collection method: clinical testing. Allele origin: germline. Affected: yes.
Comment: Not observed at significant frequency in large population cohorts (gnomAD); Canonical splice site variant in a gene or region of a gene for which loss of function is not a well-established mechanism of disease; Has not been previously published as pathogenic or benign to our knowledge

NM_001270.4(CHD1):c.2805_2867+17del

Gene: CHD1 (chromodomain helicase DNA binding protein 1; minus strand). Cytogenetic location: 5q15.
Variant type: Deletion.
Coding change: c.2805_2867+17del on transcript NM_001270.4 (MANE Select); coding-DNA position 2805 through 17 bases into the intron after coding-DNA position 2867, 80 bases deleted.
Molecular consequence: splice donor variant.
Genome position (GRCh38, 1-based): chr5:98,881,958-98,882,037, 80 bases deleted. GRCh37 (hg19): chr5:98,217,663-98,217,742.
Other names: c.2805_2867+17del (NM_001376194.2, NM_001364113.3).
Identifiers: ClinVar variation 3573606 (VCV003573606.1).